The following is an entry in ClinVar:

ClinVar aggregate classification (germline): Uncertain significance (1 of 4 stars; one submission).

Submission:

Women's Health and Genetics/Laboratory Corporation of America, LabCorp
Classification: Uncertain significance. Last evaluated: 2024-11-01. Review status: criteria provided, single submitter. Criteria: LabCorp Variant Classification Summary - May 2015. Collection method: clinical testing. Allele origin: germline.
Comment: Variant summary: The variant involves the duplication of exons 1-12 in the CLCN5 gene. A presumed nomenclature of c.(?_-221)_(*7012_?)dup has been designated for the purposes of this classification. This duplication includes the entire coding sequence of the gene. As exact breakpoints are unknown, it may extend beyond the annotated region of the gene, to include other flanking genes. The variant was absent in 95926 control chromosomes (gnomAD SVs). The available data on variant occurrences in the general population are insufficient to allow any conclusion about variant significance. To our knowledge, no occurrence of c.(?_-221)_(*7012_?)dup in individuals affected with Dent Disease and no experimental evidence demonstrating its impact on protein function have been reported. ClinVar contains an entry for this variant (Variation ID: 3245701). Based on the evidence outlined above, the variant was classified as uncertain significance.

NC_000023.10:g.(?_49832242)_(49863888_?)dup

Gene: CLCN5 (chloride voltage-gated channel 5; plus strand). Cytogenetic location: Xp11.22.
Variant type: Duplication.
Identifiers: ClinVar variation 3629879 (VCV003629879.1).